The following is an entry in ClinVar:

ClinVar aggregate classification (germline): Likely benign (0 of 4 stars; one submission).

Conditions:
SPN-related disorder. Also called: SPN-related condition.

Allele frequency attached by ClinVar (database versions not stated): ExAC 0.00061; gnomAD 0.00069; ESP Exome Variant Server 0.00085.
gnomAD v4.1: 1,421 of 1,614,120 alleles (0.088%); highest among the groups gnomAD compares: Non-Finnish European, 0.11%; 1 homozygote.

Submission:

PreventionGenetics, part of Exact Sciences
Classification: Likely benign for SPN-related condition. Last evaluated: 2023-04-20. Review status: no assertion criteria provided. Collection method: clinical testing. Allele origin: germline.
Comment: This variant is classified as likely benign based on ACMG/AMP sequence variant interpretation guidelines (Richards et al. 2015 PMID: 25741868, with internal and published modifications).

NM_003123.6(SPN):c.387C>G (p.Thr129=)

Gene: SPN (sialophorin; plus strand). Cytogenetic location: 16p11.2.
Variant type: single nucleotide variant.
Coding change: c.387C>G on transcript NM_003123.6 (MANE Select); coding-DNA position 387, C replaced by G.
Protein change: p.Thr129=; no amino-acid change (threonine 129 retained).
Molecular consequence: synonymous variant.
Genome position (GRCh38, 1-based): chr16:29,664,115, C>G. VCF-style: chr16-29664115-C-G. GRCh37 (hg19) VCF-style: chr16-29675436-C-G.
Other names: c.387C>G, p.Thr129= (NM_001030288.4).
Identifiers: ClinVar variation 3042826 (VCV003042826.2), dbSNP rs139180392, ClinGen allele CA7992161.
Genomic context (GRCh38, chr16:29,664,115, plus strand): 5'-CCCTCATGCAACCAGTCATCCTGCTGTTCCCATAACAGCAAACTCTCTAGGATCCCACAC[C>G]GTGACAGGTGGAACCATAACAACGAACTCTCCAGAAACCTCCAGTAGGACCAGTGGAGCC-3'
Protein context (NP_003114.1, residues 119-139): PITANSLGSH[Thr129=]VTGGTITTNS